The following is an entry in ClinVar:

NC_000002.11:g.(?_219524871)_(219679753_?)del

Genes: BCS1L (BCS1 homolog, ubiquinol-cytochrome c reductase complex chaperone; plus strand), CYP27A1 (cytochrome P450 family 27 subfamily A member 1; plus strand), RNF25 (ring finger protein 25; minus strand), STK36 (serine/threonine kinase 36; plus strand), TTLL4 (tubulin tyrosine ligase like 4; plus strand). Cytogenetic location: 2q35.
Variant type: Deletion.
Identifiers: ClinVar variation 3247520 (VCV003247520.1).

ClinVar aggregate classification (germline): Pathogenic (1 of 4 stars; one submission).

Submission:

Labcorp Genetics (formerly Invitae), Labcorp
Classification: Pathogenic. Last evaluated: 2023-01-09. Review status: criteria provided, single submitter. Criteria: Invitae Variant Classification Sherloc (09022015). Collection method: clinical testing. Allele origin: unknown.
Comment: For these reasons, this variant has been classified as Pathogenic. This variant has not been reported in the literature in individuals affected with BCS1L-related conditions. A gross deletion of the genomic region encompassing the full coding sequence of the BCS1L gene has been identified. Loss-of-function variants in BCS1L are known to be pathogenic (PMID: 12215968, 17314340, 19162478, 19508421, 22277166, 25895478). The boundaries of this event are unknown as they extend beyond the assayed region for this gene and therefore may encompass additional genes.

Literature cited by the submitters: PubMed 12215968; PubMed 17314340; PubMed 19162478; PubMed 19508421; PubMed 22277166; PubMed 25895478.